The following is an entry in ClinVar:

ClinVar aggregate classification (germline): Pathogenic/Likely pathogenic. Review status: criteria provided, multiple submitters, no conflicts (2 of 4 stars). 2 submissions from 2 submitters: Pathogenic (1); Likely pathogenic (1). Last evaluated 2024-09-23.

Conditions:
NALCN-related disorder. Also called: NALCN-related condition; NALCN-related disorders.

Submissions (2):

Blueprint Genetics
Classification: Likely pathogenic for NALCN-related disorders. Last evaluated: 2024-09-23. Review status: criteria provided, single submitter. Criteria: ACMG Guidelines, 2015. Collection method: clinical testing. Allele origin: germline. Affected: yes. Observed: 4 variant alleles.

GeneDx
Classification: Pathogenic. Last evaluated: 2017-07-27. Review status: criteria provided, single submitter. Criteria: GeneDx Variant Classification (06012015). Collection method: clinical testing. Allele origin: germline. Affected: yes.
Comment: The Y102X variant in the NALCN gene has not been reported previously as a pathogenic variant nor as a benign variant, to our knowledge. This variant is predicted to cause loss of normal protein function either through protein truncation or nonsense-mediated mRNA decay. The Y102X variant is not observed in large population cohorts (Lek et al., 2016; 1000 Genomes Consortium et al., 2015; Exome Variant Server). We interpret Y102X as a pathogenic variant.

NM_052867.4(NALCN):c.306T>G (p.Tyr102Ter)

Gene: NALCN (sodium leak channel, non-selective; minus strand). Cytogenetic location: 13q33.1.
Variant type: single nucleotide variant.
Coding change: c.306T>G on transcript NM_052867.4 (MANE Select); coding-DNA position 306, T replaced by G.
Protein change: p.Tyr102Ter; replaces tyrosine 102 with a stop codon.
Molecular consequence: nonsense.
Genome position (GRCh38, 1-based): chr13:101,378,639, A>C on the plus strand (T>G on the coding strand, the complement: NALCN is on the minus strand). VCF-style: chr13-101378639-A-C. GRCh37 (hg19) VCF-style: chr13-102030990-A-C.
Other names: c.306T>G, p.Tyr102Ter (NM_001350748.2, NM_001350749.2, NM_001350750.2 and 1 more transcripts); short protein forms Y102*.
Identifiers: ClinVar variation 489026 (VCV000489026.3), dbSNP rs527789070, ClinGen allele CA388706023.